The following is an entry in ClinVar:

NM_001008212.2(OPTN):c.1242+327C>T

Gene: OPTN (optineurin; plus strand). Cytogenetic location: 10p13.
Variant type: single nucleotide variant.
Coding change: c.1242+327C>T on transcript NM_001008212.2 (MANE Select); 327 bases into the intron after coding-DNA position 1242, C replaced by T.
Molecular consequence: intron variant.
Genome position (GRCh38, 1-based): chr10:13,126,366, C>T. VCF-style: chr10-13126366-C-T. GRCh37 (hg19) VCF-style: chr10-13168366-C-T.
Other names: c.1242+327C>T (NM_001008211.1, NM_001008213.1, NM_021980.4).
Identifiers: ClinVar variation 931275 (VCV000931275.3), dbSNP rs368712790, ClinGen allele CA203268079.
Genomic context (GRCh38, chr10:13,126,366, plus strand): 5'-AGTCTCGCTCTGTCGCCCAGGCTGGAGTGCAGTGGCGCGATCTCGGCTCACTGCAAGCTC[C>T]GCCTCCTGGGTTCACGCCATTCTCCTGCCTCAGCCTCCCGAGTAGCTGGGACTACAGGCG-3'

ClinVar aggregate classification (germline): Uncertain significance (1 of 4 stars; one submission).

Conditions:
Primary open angle glaucoma (POAG). Also called: OPTN-related open angle glaucoma. Identifiers: MedGen C0339573, MONDO:0100553, OMIM 137760.

Allele frequency attached by ClinVar (database versions not stated): gnomAD 0.01108 and 0.01294; 1000 Genomes Project 30x 0.02405; 1000 Genomes Project 0.02496.
gnomAD v4.1: 1,937 of 150,564 alleles (1.3%); highest among the groups gnomAD compares: South Asian, 4.8%; 34 homozygotes.

Submission:

Centre for Mendelian Genomics, University Medical Centre Ljubljana
Classification: Uncertain significance for Primary open angle glaucoma. Last evaluated: 2019-01-08. Review status: criteria provided, single submitter. Criteria: ACMG Guidelines, 2015. Collection method: clinical testing. Allele origin: unknown. Affected: yes.
Comment: This variant was classified as: Uncertain significance. The available evidence on this variant's pathogenicity is insufficient or conflicting. The following ACMG criteria were applied in classifying this variant: PM2.